The following is an entry in ClinVar:

NM_020433.5(JPH2):c.1699C>G (p.His567Asp)

Gene: JPH2 (junctophilin 2; minus strand). Cytogenetic location: 20q13.12.
Variant type: single nucleotide variant.
Coding change: c.1699C>G on transcript NM_020433.5 (MANE Select); coding-DNA position 1699, C replaced by G.
Protein change: p.His567Asp; replaces histidine 567 with aspartic acid.
Molecular consequence: missense variant.
Genome position (GRCh38, 1-based): chr20:44,115,976, G>C on the plus strand (C>G on the coding strand, the complement: JPH2 is on the minus strand). VCF-style: chr20-44115976-G-C. GRCh37 (hg19) VCF-style: chr20-42744616-G-C.
Other names: short protein forms H567D.
Identifiers: ClinVar variation 3650488 (VCV003650488.2).
Genomic context (GRCh38, chr20:44,115,976, plus strand): 5'-GCTCGGGCTGGTCCTCAAAGGGTGGGGGCTCGGGCGGCGTGGTGCGCACAGCATAGCTGT[G>C]GTAGCCCTGGTAAAGCGCCACCTCCGGCTCCCGCGACGGCGCAGGCGGTGCCTGCAGAGC-3'
Protein context (NP_065166.2, residues 557-577): EPEVALYQGY[His567Asp]SYAVRTTPPE

ClinVar aggregate classification (germline): Uncertain significance (1 of 4 stars; one submission).

Conditions:
Hypertrophic cardiomyopathy. Also called: HYPERTROPHIC MYOCARDIOPATHY. Identifiers: Orphanet 217569, MedGen C0007194, MeSH D002312, MONDO:0005045, HP:0001639.

gnomAD v4.1: 1 of 1,577,274 alleles (0.000063%); highest among the groups gnomAD compares: South Asian, 0.0011%; no homozygotes.

Submission:

Labcorp Genetics (formerly Invitae), Labcorp
Classification: Uncertain significance for Hypertrophic cardiomyopathy. Last evaluated: 2024-10-11. Review status: criteria provided, single submitter. Criteria: Invitae Variant Classification Sherloc (09022015). Collection method: clinical testing. Allele origin: germline.
Comment: This sequence change replaces histidine, which is basic and polar, with aspartic acid, which is acidic and polar, at codon 567 of the JPH2 protein (p.His567Asp). This variant is not present in population databases (gnomAD no frequency). This variant has not been reported in the literature in individuals affected with JPH2-related conditions. An algorithm developed to predict the effect of missense changes on protein structure and function (PolyPhen-2) suggests that this variant is likely to be disruptive. In summary, the available evidence is currently insufficient to determine the role of this variant in disease. Therefore, it has been classified as a Variant of Uncertain Significance.